The following is an entry in ClinVar:

ClinVar aggregate classification (germline): Uncertain significance (1 of 4 stars; one submission).

Conditions:
Combined immunodeficiency due to MALT1 deficiency. Also called: Immunodeficiency 12. Identifiers: Orphanet 397964, MedGen C3809583, MONDO:0014197, OMIM 615468.

Allele frequency attached by ClinVar (database versions not stated): gnomAD 0.00001; TOPMed 0.00002; ExAC 0.00003.
gnomAD v4.1: 10 of 1,612,590 alleles (0.00062%); highest among the groups gnomAD compares: Admixed American, 0.013%; no homozygotes.

Submission:

Labcorp Genetics (formerly Invitae), Labcorp
Classification: Uncertain significance for Combined immunodeficiency due to MALT1 deficiency. Last evaluated: 2021-12-13. Review status: criteria provided, single submitter. Criteria: Invitae Variant Classification Sherloc (09022015). Collection method: clinical testing. Allele origin: germline.
Comment: This sequence change replaces cysteine, which is neutral and slightly polar, with serine, which is neutral and polar, at codon 687 of the MALT1 protein (p.Cys687Ser). This variant is present in population databases (rs778927161, gnomAD 0.01%). This variant has not been reported in the literature in individuals affected with MALT1-related conditions. Algorithms developed to predict the effect of missense changes on protein structure and function are either unavailable or do not agree on the potential impact of this missense change (SIFT: "Tolerated"; PolyPhen-2: "Probably Damaging"; Align-GVGD: "Class C0"). Algorithms developed to predict the effect of sequence changes on RNA splicing suggest that this variant may create or strengthen a splice site. In summary, the available evidence is currently insufficient to determine the role of this variant in disease. Therefore, it has been classified as a Variant of Uncertain Significance.

NM_006785.4(MALT1):c.2059T>A (p.Cys687Ser)

Gene: MALT1 (MALT1 paracaspase; plus strand). Cytogenetic location: 18q21.32.
Variant type: single nucleotide variant.
Coding change: c.2059T>A on transcript NM_006785.4 (MANE Select); coding-DNA position 2059, T replaced by A.
Protein change: p.Cys687Ser; replaces cysteine 687 with serine.
Molecular consequence: missense variant.
Genome position (GRCh38, 1-based): chr18:58,747,426, T>A. VCF-style: chr18-58747426-T-A. GRCh37 (hg19) VCF-style: chr18-56414658-T-A.
Other names: c.2026T>A, p.Cys676Ser (NM_173844.3); short protein forms C676S, C687S.
Identifiers: ClinVar variation 2165781 (VCV002165781.1), dbSNP rs778927161, ClinGen allele CA8978057.